The following is an entry in ClinVar:

NM_025114.4(CEP290):c.180+2T>A

Gene: CEP290 (centrosomal protein 290; minus strand). Cytogenetic location: 12q21.32.
Variant type: single nucleotide variant.
Coding change: c.180+2T>A on transcript NM_025114.4 (MANE Select); the canonical splice donor site of the intron after coding-DNA position 180, T replaced by A.
Molecular consequence: splice donor variant.
Genome position (GRCh38, 1-based): chr12:88,140,954, A>T on the plus strand (T>A on the coding strand, the complement: CEP290 is on the minus strand). VCF-style: chr12-88140954-A-T. GRCh37 (hg19) VCF-style: chr12-88534731-A-T.
Other names: CEP290, EX3, T-A, +2.
Identifiers: ClinVar variation 56731 (VCV000056731.3), dbSNP rs386834150, ClinGen allele CA144387.

ClinVar aggregate classification (germline): Pathogenic/Likely pathogenic. Review status: no assertion criteria provided (0 of 4 stars). 2 submissions from 2 submitters: Pathogenic (1); Likely pathogenic (1). Last evaluated 2007-07-01.

Conditions:
Meckel syndrome, type 4 (MKS4). Also called: MECKEL-GRUBER SYNDROME, TYPE 4. Identifiers: Orphanet 564, MedGen C1970161, MONDO:0012626, OMIM 611134.

Submissions (2):

OMIM
Classification: Pathogenic for MECKEL SYNDROME, TYPE 4. Last evaluated: 2007-07-01. Review status: no assertion criteria provided. Collection method: literature only. Allele origin: germline.

Juha Muilu Group; Institute for Molecular Medicine Finland (FIMM)
Classification: Likely pathogenic for Meckel syndrome type 4. Review status: no assertion criteria provided. Collection method: not provided. Allele origin: unknown.
Comment: FinDis database variant: This variant was not found or characterized by our laboratory, data were collected from public sources: see reference
ClinVar note: Converted during submission from probable-pathogenic to Likely pathogenic.

Literature cited by the submitters: PubMed 17564974 (cited by OMIM).